The following is an entry in ClinVar:

ClinVar aggregate classification (germline): Uncertain significance (1 of 4 stars; one submission).

Conditions:
Developmental delay with autism spectrum disorder and gait instability (MRT38). Also called: Intellectual developmental disorder, autosomal recessive 38. Identifiers: Orphanet 329195, MedGen C3809753, MONDO:0014224, OMIM 615516.

Submission:

Baylor Genetics
Classification: Uncertain significance for Developmental delay with autism spectrum disorder and gait instability. Last evaluated: 2020-06-03. Review status: criteria provided, single submitter. Criteria: ACMG Guidelines, 2015. Collection method: clinical testing. Allele origin: unknown. Affected: yes.
Comment: This variant was determined to be of uncertain significance according to ACMG Guidelines, 2015 [PMID:25741868].

NM_004667.6(HERC2):c.8614G>C (p.Asp2872His)

Gene: HERC2 (HECT and RLD domain containing E3 ubiquitin protein ligase 2; minus strand). Cytogenetic location: 15q13.1.
Variant type: single nucleotide variant.
Coding change: c.8614G>C on transcript NM_004667.6 (MANE Select); coding-DNA position 8614, G replaced by C.
Protein change: p.Asp2872His; replaces aspartic acid 2872 with histidine.
Molecular consequence: missense variant.
Genome position (GRCh38, 1-based): chr15:28,191,000, C>G on the plus strand (G>C on the coding strand, the complement: HERC2 is on the minus strand). VCF-style: chr15-28191000-C-G. GRCh37 (hg19) VCF-style: chr15-28436146-C-G.
Other names: short protein forms D2872H.
Identifiers: ClinVar variation 1029886 (VCV001029886.1), dbSNP rs1896805805, ClinGen allele CA391389914.